The following is an entry in ClinVar:

ClinVar aggregate classification (germline): Conflicting classifications of pathogenicity. Review status: criteria provided, conflicting classifications (1 of 4 stars). 2 submissions from 2 submitters: Uncertain significance (1); Likely benign (1). Last evaluated 2026-01-26.

Allele frequency attached by ClinVar (database versions not stated): gnomAD exomes 0.00001; gnomAD 0.00012 and 0.00013; TOPMed 0.00032; 1000 Genomes Project 30x 0.00047; 1000 Genomes Project 0.00060.
gnomAD v4.1: 37 of 1,605,356 alleles (0.0023%); highest among the groups gnomAD compares: Admixed American, 0.045%; no homozygotes.

Submissions (2):

Labcorp Genetics (formerly Invitae), Labcorp
Classification: Likely benign. Last evaluated: 2026-01-26. Review status: criteria provided, single submitter. Criteria: Invitae Variant Classification Sherloc (09022015). Collection method: clinical testing. Allele origin: germline.

GeneDx
Classification: Uncertain significance. Last evaluated: 2025-02-04. Review status: criteria provided, single submitter. Criteria: GeneDx Variant Classification Process June 2021. Collection method: clinical testing. Allele origin: germline. Affected: yes.
Comment: In silico analysis supports a deleterious effect on splicing; Has not been previously published as pathogenic or benign to our knowledge

NM_000094.4(COL7A1):c.8359-17T>A

Gene: COL7A1 (collagen type VII alpha 1 chain; minus strand). Cytogenetic location: 3p21.31.
Variant type: single nucleotide variant.
Coding change: c.8359-17T>A on transcript NM_000094.4 (MANE Select); 17 bases into the intron before coding-DNA position 8359, T replaced by A.
Molecular consequence: intron variant.
Genome position (GRCh38, 1-based): chr3:48,566,332, A>T on the plus strand (T>A on the coding strand, the complement: COL7A1 is on the minus strand). VCF-style: chr3-48566332-A-T. GRCh37 (hg19) VCF-style: chr3-48603765-A-T.
Identifiers: ClinVar variation 1592381 (VCV001592381.11), dbSNP rs200207978, ClinGen allele CA73970645.